The following is an entry in ClinVar:

NM_001845.6(COL4A1):c.897del (p.Ser300fs)

Gene: COL4A1 (collagen type IV alpha 1 chain; minus strand). Cytogenetic location: 13q34.
Variant type: Deletion.
Coding change: c.897del on transcript NM_001845.6 (MANE Select); coding-DNA position 897, one base deleted (G; older notation c.897delG).
Protein change: p.Ser300fs; shifts the reading frame from serine 300.
Molecular consequence: frameshift variant.
Genome position (GRCh38, 1-based): chr13:110,205,500, C deleted on the plus strand (G on the coding strand, the reverse complement: COL4A1 is on the minus strand); the first of 3 consecutive C bases (chr13:110,205,500-110,205,502); deleting any one gives the same sequence. VCF-style (leftmost placement, unchanged base first): chr13-110205499-TC-T. GRCh37 (hg19) VCF-style: chr13-110857846-TC-T.
Other names: c.897del, p.Ser300fs (NM_001303110.2); short protein forms S300fs.
Identifiers: ClinVar variation 2025326 (VCV002025326.4), dbSNP rs2501580024, ClinGen allele CA2580087122.

ClinVar aggregate classification (germline): Pathogenic (1 of 4 stars; one submission).

Submission:

Labcorp Genetics (formerly Invitae), Labcorp
Classification: Pathogenic. Last evaluated: 2022-08-20. Review status: criteria provided, single submitter. Criteria: Invitae Variant Classification Sherloc (09022015). Collection method: clinical testing. Allele origin: germline.
Comment: For these reasons, this variant has been classified as Pathogenic. This variant has not been reported in the literature in individuals affected with COL4A1-related conditions. This variant is not present in population databases (gnomAD no frequency). This sequence change creates a premature translational stop signal (p.Ser300Valfs*14) in the COL4A1 gene. It is expected to result in an absent or disrupted protein product. Loss-of-function variants in COL4A1 are known to be pathogenic (PMID: 23225343).

Literature cited by the submitters: PubMed 23225343.